The following is an entry in ClinVar:

ClinVar aggregate classification (germline): Uncertain significance (1 of 4 stars; one submission).

Conditions:
Hereditary breast ovarian cancer syndrome. Also called: BRCA1- and BRCA2-Associated Hereditary Breast and Ovarian Cancer; Breast and ovarian cancer; Hereditary breast and/or ovarian cancer syndrome; Hereditary breast and ovarian cancer; Hereditary breast and ovarian cancer syndrome (HBOC); Hereditary breast and ovarian cancer syndrome. Identifiers: Orphanet 145, MedGen C0677776, MeSH D061325, MONDO:0003582. Disease mechanism: loss of function.

Submission:

Labcorp Genetics (formerly Invitae), Labcorp
Classification: Uncertain significance for Hereditary breast ovarian cancer syndrome. Last evaluated: 2023-09-06. Review status: criteria provided, single submitter. Criteria: Invitae Variant Classification Sherloc (09022015). Collection method: clinical testing. Allele origin: germline.
Comment: In summary, the available evidence is currently insufficient to determine the role of this variant in disease. Therefore, it has been classified as a Variant of Uncertain Significance. Advanced modeling of protein sequence and biophysical properties (such as structural, functional, and spatial information, amino acid conservation, physicochemical variation, residue mobility, and thermodynamic stability) performed at Invitae indicates that this missense variant is not expected to disrupt BRCA1 protein function. This variant has not been reported in the literature in individuals affected with BRCA1-related conditions. This variant is not present in population databases (gnomAD no frequency). This sequence change replaces glutamic acid, which is acidic and polar, with glycine, which is neutral and non-polar, at codon 1250 of the BRCA1 protein (p.Glu1250Gly).

NM_007294.4(BRCA1):c.3749A>G (p.Glu1250Gly)

Genes: BRCA1 (BRCA1 DNA repair associated; minus strand), LOC126862571 (BRD4-independent group 4 enhancer GRCh37_chr17:41243136-41244335; plus strand). Cytogenetic location: 17q21.31.
Variant type: single nucleotide variant.
Coding change: c.3749A>G on transcript NM_007294.4 (MANE Select); coding-DNA position 3749, A replaced by G.
Protein change: p.Glu1250Gly; replaces glutamic acid 1250 with glycine.
Molecular consequence: missense variant. On other transcripts: intron variant (135).
Genome position (GRCh38, 1-based): chr17:43,091,782, T>C on the plus strand (A>G on the coding strand, the complement: BRCA1 is on the minus strand). VCF-style: chr17-43091782-T-C. GRCh37 (hg19) VCF-style: chr17-41243799-T-C.
Other names: c.3536A>G, p.Glu1179Gly (NM_001407571.1, NM_001407853.1, NM_001407894.1 and 9 more transcripts); c.3749A>G, p.Glu1250Gly (NM_001407581.1, NM_001407582.1, NM_001407583.1 and 30 more transcripts); c.3746A>G, p.Glu1249Gly (NM_001407587.1, NM_001407590.1, NM_001407591.1 and 22 more transcripts); c.3740A>G, p.Glu1247Gly (NM_001407646.1, NM_001407647.1); c.3626A>G, p.Glu1209Gly (NM_001407648.1, NM_001407664.1, NM_001407665.1 and 19 more transcripts); c.3623A>G, p.Glu1208Gly (NM_001407649.1, NM_001407670.1, NM_001407671.1 and 11 more transcripts); c.3671A>G, p.Glu1224Gly (NM_001407653.1, NM_001407654.1, NM_001407655.1 and 4 more transcripts); c.3668A>G, p.Glu1223Gly (NM_001407659.1, NM_001407660.1, NM_001407661.1 and 1 more transcripts); and 41 more; short protein forms E1183G, E1223G, E1123G, E1161G, E1180G, E1202G, E1209G, E1224G.
Identifiers: ClinVar variation 2748795 (VCV002748795.3), dbSNP rs2154290789, ClinGen allele CA10594473.